The following is an entry in ClinVar:

ClinVar aggregate classification (germline): Likely pathogenic. Review status: reviewed by expert panel (3 of 4 stars). 3 submissions from 2 submitters: Likely pathogenic (1). 2 of the submissions do not count toward it. Last evaluated 2025-05-02.

Conditions:
Glanzmann thrombasthenia. Also called: BLEEDING DISORDER, PLATELET-TYPE, 2; THROMBASTHENIA OF GLANZMANN AND NAEGELI; PLATELET GLYCOPROTEIN IIb-IIIa DEFICIENCY; Thrombasthenia; Glanzmann's thrombasthenia. Identifiers: Orphanet 849, MedGen C0040015, MONDO:0100326.

Submissions (3):

ClinGen Platelet Disorders Variant Curation Expert Panel, ClinGen
Classification: Likely pathogenic for Glanzmann thrombasthenia. Last evaluated: 2025-05-02. Review status: reviewed by expert panel. Criteria: ClinGen Platelet ACMG Specifications v2-1. Collection method: curation. Allele origin: germline. Inheritance: Autosomal recessive inheritance.
Comment: The NM_000419.5(ITGA2B):c.798G>A (p.Trp266Ter) variant in exon 7 is a nonsense variant predicted to cause a premature stop codon in biologically-relevant-exon 7 and is predicted to lead to nonsense mediated decay in a gene in which loss-of-function is an established disease mechanism (PVS1). This variant is reported in ClinVar, but no phenotype data are available (SCV000120031.1, SCV000155134.1). This variant is also absent from gnomAD v4.1 (PM2_Supporting). In summary, this variant meets the criteria to be classified as Likely Pathogenic for autosomal recessive Glanzmann Thrombasthenia based on the ACMG/AMP criteria applied, as specified by the ClinGen PD VCEP: PVS1, PM2_Supporting (VCEP specifications version 2.1).

Richard Lifton Laboratory, Yale University School of Medicine
Classification: Uncertain significance. Review status: no assertion criteria provided. Collection method: not provided. Allele origin: somatic. Not counted in ClinVar's aggregate classification.
Comment: ITGA2B:p.W266*
ClinVar note: Converted during submission from unknown to Uncertain significance.

Richard Lifton Laboratory, Yale University School of Medicine
Classification: Uncertain significance. Review status: flagged submission. Collection method: not provided. Allele origin: somatic. Not counted in ClinVar's aggregate classification.
ClinVar note: Converted during submission from unknown to Uncertain significance.
ClinVar note: Reason: This record appears to be redundant with a more recent record from the same submitter.
ClinVar note: Notes: SCV000120031 appears to be redundant with SCV000155134.

NM_000419.5(ITGA2B):c.798G>A (p.Trp266Ter)

Gene: ITGA2B (integrin subunit alpha 2b; minus strand). Cytogenetic location: 17q21.31.
Variant type: single nucleotide variant.
Coding change: c.798G>A on transcript NM_000419.5 (MANE Select); coding-DNA position 798, G replaced by A.
Protein change: p.Trp266Ter; replaces tryptophan 266 with a stop codon.
Molecular consequence: nonsense.
Genome position (GRCh38, 1-based): chr17:44,384,949, C>T on the plus strand (G>A on the coding strand, the complement: ITGA2B is on the minus strand). VCF-style: chr17-44384949-C-T. GRCh37 (hg19) VCF-style: chr17-42462317-C-T.
Other names: NM_000419.5(ITGA2B):c.798G>A; p.Trp266Ter; c.798G>A (LRG_479t1); short protein forms W266*.
Identifiers: ClinVar variation 100811 (VCV000100811.4), dbSNP rs483352692, ClinGen allele CA229004.